The following is an entry in ClinVar:

NM_152564.5(VPS13B):c.1343G>A (p.Gly448Glu)

Gene: VPS13B (vacuolar protein sorting 13 homolog B; plus strand). Cytogenetic location: 8q22.2.
Variant type: single nucleotide variant.
Coding change: c.1343G>A on transcript NM_152564.5 (MANE Select); coding-DNA position 1343, G replaced by A.
Protein change: p.Gly448Glu; replaces glycine 448 with glutamic acid.
Molecular consequence: missense variant.
Genome position (GRCh38, 1-based): chr8:99,135,055, G>A. VCF-style: chr8-99135055-G-A. GRCh37 (hg19) VCF-style: chr8-100147283-G-A.
Other names: c.1343G>A (NM_017890.3); c.1343G>A, p.Gly448Glu (NM_015243.3, NM_017890.5); short protein forms G448E.
Identifiers: ClinVar variation 2199692 (VCV002199692.6), dbSNP rs774113287, ClinGen allele CA4822614.

ClinVar aggregate classification (germline): Uncertain significance. Review status: criteria provided, multiple submitters, no conflicts (2 of 4 stars). 4 submissions from 4 submitters: Uncertain significance (3). 1 of the submissions does not count toward it. Last evaluated 2025-09-01.

Conditions:
Cohen syndrome (COH1). Also called: Cutis verticis gyrata, retinitis pigmentosa, and sensorineural deafness; PEPPER SYNDROME. Identifiers: Orphanet 193, MedGen C0265223, MONDO:0008999, OMIM 216550.
VPS13B-related disorder. Also called: VPS13B-related condition.
Inborn genetic diseases. Identifiers: MedGen C0950123, MeSH D030342.

Allele frequency attached by ClinVar (database versions not stated): gnomAD 0.00001; gnomAD exomes 0.00001; ExAC 0.00002; TOPMed 0.00002.
gnomAD v4.1: 17 of 1,613,402 alleles (0.0011%); highest among the groups gnomAD compares: Admixed American, 0.0033%; no homozygotes.

Submissions (4):

Labcorp Genetics (formerly Invitae), Labcorp
Classification: Uncertain significance for Cohen syndrome. Last evaluated: 2025-09-01. Review status: criteria provided, single submitter. Criteria: Invitae Variant Classification Sherloc (09022015). Collection method: clinical testing. Allele origin: germline.
Comment: This sequence change replaces glycine, which is neutral and non-polar, with glutamic acid, which is acidic and polar, at codon 448 of the VPS13B protein (p.Gly448Glu). This variant is present in population databases (rs774113287, gnomAD 0.005%). This variant has not been reported in the literature in individuals affected with VPS13B-related conditions. ClinVar contains an entry for this variant (Variation ID: 2199692). Invitae Evidence Modeling of protein sequence and biophysical properties (such as structural, functional, and spatial information, amino acid conservation, physicochemical variation, residue mobility, and thermodynamic stability) indicates that this missense variant is expected to disrupt VPS13B protein function with a positive predictive value of 80%. In summary, the available evidence is currently insufficient to determine the role of this variant in disease. Therefore, it has been classified as a Variant of Uncertain Significance.

Blueprint Genetics
Classification: Uncertain significance. Last evaluated: 2024-11-07. Review status: criteria provided, single submitter. Criteria: ACMG Guidelines, 2015. Collection method: clinical testing. Allele origin: germline.

Ambry Genetics
Classification: Uncertain significance for Inborn genetic diseases. Last evaluated: 2022-12-13. Review status: criteria provided, single submitter. Criteria: Ambry Variant Classification Scheme 2023. Collection method: clinical testing. Allele origin: germline.

PreventionGenetics, part of Exact Sciences
Classification: Uncertain significance for VPS13B-related condition. Last evaluated: 2024-05-24. Review status: no assertion criteria provided. Collection method: clinical testing. Allele origin: germline. Not counted in ClinVar's aggregate classification.
Comment: The VPS13B c.1343G>A variant is predicted to result in the amino acid substitution p.Gly448Glu. To our knowledge, this variant has not been reported in the literature. This variant is reported in 0.0062% of alleles in individuals of European (Non-Finnish) descent in gnomAD. At this time, the clinical significance of this variant is uncertain due to the absence of conclusive functional and genetic evidence.